The following is an entry in ClinVar:

NM_018124.4(RFWD3):c.1459A>C (p.Met487Leu)

Gene: RFWD3 (ring finger and WD repeat domain 3; minus strand). Cytogenetic location: 16q23.1.
Variant type: single nucleotide variant.
Coding change: c.1459A>C on transcript NM_018124.4 (MANE Select); coding-DNA position 1459, A replaced by C.
Protein change: p.Met487Leu; replaces methionine 487 with leucine.
Molecular consequence: missense variant.
Genome position (GRCh38, 1-based): chr16:74,632,641, T>G on the plus strand (A>C on the coding strand, the complement: RFWD3 is on the minus strand). VCF-style: chr16-74632641-T-G. GRCh37 (hg19) VCF-style: chr16-74666539-T-G.
Other names: c.1459A>C, p.Met487Leu (NM_001370534.1, NM_001370535.1, NM_001370536.1); c.625A>C, p.Met209Leu (NM_001370537.1, NM_001370539.1, NM_001370540.1 and 3 more transcripts); short protein forms M209L, M487L.
Identifiers: ClinVar variation 2054860 (VCV002054860.4), dbSNP rs202130447, ClinGen allele CA8169197.

ClinVar aggregate classification (germline): Uncertain significance (1 of 4 stars; one submission).

Allele frequency attached by ClinVar (database versions not stated): 1000 Genomes Project 30x 0.00031; 1000 Genomes Project 0.00040.
gnomAD v4.1: 155 of 1,614,148 alleles (0.0096%); highest among the groups gnomAD compares: East Asian, 0.34%; 2 homozygotes.

Submission:

Labcorp Genetics (formerly Invitae), Labcorp
Classification: Uncertain significance. Last evaluated: 2025-12-24. Review status: criteria provided, single submitter. Criteria: Invitae Variant Classification Sherloc (09022015). Collection method: clinical testing. Allele origin: germline.
Comment: This sequence change replaces methionine, which is neutral and non-polar, with leucine, which is neutral and non-polar, at codon 487 of the RFWD3 protein (p.Met487Leu). This variant is present in population databases (rs202130447, gnomAD 0.02%). This variant has not been reported in the literature in individuals affected with RFWD3-related conditions. ClinVar contains an entry for this variant (Variation ID: 2054860). An algorithm developed to predict the effect of missense changes on protein structure and function (PolyPhen-2) suggests that this variant is likely to be tolerated. In summary, the available evidence is currently insufficient to determine the role of this variant in disease. Therefore, it has been classified as a Variant of Uncertain Significance.